The following is an entry in ClinVar:

ClinVar aggregate classification (germline): Likely pathogenic (1 of 4 stars; one submission).

gnomAD v4.1: 2 of 1,613,414 alleles (0.00012%); highest among the groups gnomAD compares: Non-Finnish European, 0.000085%; no homozygotes.

Submission:

GeneDx
Classification: Likely pathogenic. Last evaluated: 2024-05-31. Review status: criteria provided, single submitter. Criteria: GeneDx Variant Classification Process June 2021. Collection method: clinical testing. Allele origin: germline. Affected: yes.
Comment: Not observed at significant frequency in large population cohorts (gnomAD); In silico analysis supports that this missense variant has a deleterious effect on protein structure/function; Has not been previously published as pathogenic or benign to our knowledge

NM_016239.4(MYO15A):c.3874T>C (p.Phe1292Leu)

Gene: MYO15A (myosin XVA; plus strand). Cytogenetic location: 17p11.2.
Variant type: single nucleotide variant.
Coding change: c.3874T>C on transcript NM_016239.4 (MANE Select); coding-DNA position 3874, T replaced by C.
Protein change: p.Phe1292Leu; replaces phenylalanine 1292 with leucine.
Molecular consequence: missense variant.
Genome position (GRCh38, 1-based): chr17:18,126,798, T>C. VCF-style: chr17-18126798-T-C. GRCh37 (hg19) VCF-style: chr17-18030112-T-C.
Other names: short protein forms F1292L.
Identifiers: ClinVar variation 3383486 (VCV003383486.1).